The following is an entry in ClinVar:

ClinVar aggregate classification (germline): Benign/Likely benign. Review status: criteria provided, multiple submitters, no conflicts (2 of 4 stars). 8 submissions from 8 submitters: Benign (4); Likely benign (3). 1 of the submissions does not count toward it. Last evaluated 2026-01-26.

Conditions:
TBC1D24-related disorder. Also called: TBC1D24-related condition; TBC1D24-related disorders. Identifiers: MedGen CN381194.
Autosomal dominant nonsyndromic hearing loss 65. Also called: Deafness, autosomal dominant 65; TBC1D24-Related Autosomal Dominant Nonsyndromic Hearing Loss (DFNA). Identifiers: Orphanet 90635, MedGen C3892048, MONDO:0014470, OMIM 616044.
Developmental and epileptic encephalopathy, 1 (DEE1). Also called: Epileptic encephalopathy, early infantile, 1; X-linked infantile spasms; West's syndrome; Tonic spasms with clustering, arrest of psychomotor development and hypsarrhythmia on EEG; X-Linked Infantile Spasm Syndrome; OHTAHARA SYNDROME, X-LINKED. Identifiers: MedGen C3463992, MONDO:0010632, OMIM 308350. Disease mechanism: loss of function.
Inborn genetic diseases. Identifiers: MedGen C0950123, MeSH D030342.
Familial infantile myoclonic epilepsy (FIME). Also called: Epilepsy, Myoclonic, Infantile; TBC1D24-Related Familial Infantile Myoclonic Epilepsy (FIME). Identifiers: Orphanet 352582, MedGen C0917800, MONDO:0011506, OMIM 605021.

Allele frequency attached by ClinVar (database versions not stated): gnomAD 0.00019 and 0.00036; TOPMed 0.00049; 1000 Genomes Project 30x 0.00203; 1000 Genomes Project 0.00240.
gnomAD v4.1: 541 of 1,614,026 alleles (0.034%); highest among the groups gnomAD compares: East Asian, 1%; 3 homozygotes.

Submissions (8):

Labcorp Genetics (formerly Invitae), Labcorp
Classification: Benign for Developmental and epileptic encephalopathy, 1; Autosomal dominant nonsyndromic hearing loss 65. Last evaluated: 2026-01-26. Review status: criteria provided, single submitter. Criteria: Invitae Variant Classification Sherloc (09022015). Collection method: clinical testing. Allele origin: germline.

Blueprint Genetics
Classification: Likely benign. Last evaluated: 2024-11-11. Review status: criteria provided, single submitter. Criteria: ACMG Guidelines, 2015. Collection method: clinical testing. Allele origin: germline.

Athena Diagnostics
Classification: Benign. Last evaluated: 2019-03-08. Review status: criteria provided, single submitter. Criteria: Athena Diagnostics Criteria. Collection method: clinical testing. Allele origin: germline.

Illumina Laboratory Services, Illumina
Classification: Likely benign for Familial infantile myoclonic epilepsy. Last evaluated: 2018-01-13. Review status: criteria provided, single submitter. Criteria: ICSL Variant Classification Criteria 13 December 2019. Collection method: clinical testing. Allele origin: germline.
Comment: This variant was observed in the ICSL laboratory as part of a predisposition screen in an ostensibly healthy population. It had not been previously curated by ICSL or reported in the Human Gene Mutation Database (HGMD: prior to June 1st, 2018), and was therefore a candidate for classification through an automated scoring system. Utilizing variant allele frequency, disease prevalence and penetrance estimates, and inheritance mode, an automated score was calculated to assess if this variant is too frequent to cause the disease. Based on the score and internal cut-off values, a variant classified as likely benign is not then subjected to further curation. The score for this variant resulted in a classification of likely benign for this disease.

Ambry Genetics
Classification: Likely benign for Inborn genetic diseases. Last evaluated: 2017-08-07. Review status: criteria provided, single submitter. Criteria: Ambry Variant Classification Scheme 2023. Collection method: clinical testing. Allele origin: germline.

Laboratory for Molecular Medicine, Mass General Brigham Personalized Medicine
Classification: Benign. Last evaluated: 2014-11-24. Review status: criteria provided, single submitter. Criteria: LMM Criteria. Collection method: clinical testing. Allele origin: germline. Observed: 1 variant allele.
Comment: Pro221Pro in exon 2 of TBC1D24: This variant is not expected to have clinical si gnificance because it does not alter an amino acid residue and is not located wi thin the splice consensus sequence. It has been identified in 1.2% (7/572) of Ea st Asian chromosomes from a broad population by the 1000 Genomes Project (dbSNP rs148670169).

GeneDx
Classification: Benign. Last evaluated: 2014-07-21. Review status: criteria provided, single submitter. Criteria: GeneDx Variant Classification (06012015). Collection method: clinical testing. Allele origin: germline. Affected: yes.
Comment: This variant is considered likely benign or benign based on one or more of the following criteria: it is a conservative change, it occurs at a poorly conserved position in the protein, it is predicted to be benign by multiple in silico algorithms, and/or has population frequency not consistent with disease.

PreventionGenetics, part of Exact Sciences
Classification: Benign for TBC1D24-related condition. Last evaluated: 2020-01-20. Review status: no assertion criteria provided. Collection method: clinical testing. Allele origin: germline. Not counted in ClinVar's aggregate classification.
Comment: This variant is classified as benign based on ACMG/AMP sequence variant interpretation guidelines (Richards et al. 2015 PMID: 25741868, with internal and published modifications).

NM_001199107.2(TBC1D24):c.663C>T (p.Pro221=)

Gene: TBC1D24 (TBC1 domain family member 24; plus strand). Cytogenetic location: 16p13.3.
Variant type: single nucleotide variant.
Coding change: c.663C>T on transcript NM_001199107.2 (MANE Select); coding-DNA position 663, C replaced by T.
Protein change: p.Pro221=; no amino-acid change (proline 221 retained).
Molecular consequence: synonymous variant.
Genome position (GRCh38, 1-based): chr16:2,496,811, C>T. VCF-style: chr16-2496811-C-T. GRCh37 (hg19) VCF-style: chr16-2546812-C-T.
Other names: p.P221P:CCC>CCT; c.663C>T, p.Pro221= (NM_020705.3).
Identifiers: ClinVar variation 207486 (VCV000207486.30), dbSNP rs148670169, ClinGen allele CA318993.